The following is an entry in ClinVar:

ClinVar aggregate classification (germline): Uncertain significance (1 of 4 stars; one submission).

Conditions:
Cystic fibrosis (CF). Also called: MUCOVISCIDOSIS. Identifiers: Orphanet 586, MedGen C0010674, MONDO:0009061, OMIM 219700. Disease mechanism: loss of function.

Allele frequency attached by ClinVar (database versions not stated): gnomAD 0.00009 and 0.00011; TOPMed 0.00013.
gnomAD v4.1: 16 of 152,158 alleles (0.011%); highest among the groups gnomAD compares: African/African-American, 0.031%; no homozygotes.

Submission:

Johns Hopkins Genomics, Johns Hopkins University
Classification: Uncertain significance for Cystic fibrosis. Last evaluated: 2021-09-28. Review status: criteria provided, single submitter. Criteria: ACMG Guidelines, 2015. Collection method: clinical testing. Allele origin: germline.
Comment: This intronic CFTR variant (rs983323581) is present in a large population dataset (gnomAD: 4/31384 total alleles; 0.013%; no homozygotes). It has not been reported in ClinVar nor the literature, to our knowledge. One bioinformatic tool predicts that this variant may create a weak cryptic splice site, however, this has not been assessed experimentally to our knowledge. We consider the clinical significance of c.1584+4119C>T to be uncertain at this time.

NM_000492.4(CFTR):c.1584+4119C>T

Genes: CFTR (CF transmembrane conductance regulator; plus strand), CFTR-AS1 (CFTR antisense RNA 1; minus strand). Cytogenetic location: 7q31.2.
Variant type: single nucleotide variant.
Coding change: c.1584+4119C>T on transcript NM_000492.4 (MANE Select); 4119 bases into the intron after coding-DNA position 1584, C replaced by T.
Molecular consequence: intron variant.
Genome position (GRCh38, 1-based): chr7:117,563,774, C>T. VCF-style: chr7-117563774-C-T. GRCh37 (hg19) VCF-style: chr7-117203828-C-T.
Identifiers: ClinVar variation 1331722 (VCV001331722.1), dbSNP rs983323581, ClinGen allele CA164970555.